The following is an entry in ClinVar:

NM_007294.4(BRCA1):c.2907T>A (p.Asn969Lys)

Gene: BRCA1 (BRCA1 DNA repair associated; minus strand). Cytogenetic location: 17q21.31.
Variant type: single nucleotide variant.
Coding change: c.2907T>A on transcript NM_007294.4 (MANE Select); coding-DNA position 2907, T replaced by A.
Protein change: p.Asn969Lys; replaces asparagine 969 with lysine.
Molecular consequence: missense variant. On other transcripts: intron variant (137).
Genome position (GRCh38, 1-based): chr17:43,092,624, A>T on the plus strand (T>A on the coding strand, the complement: BRCA1 is on the minus strand). VCF-style: chr17-43092624-A-T. GRCh37 (hg19) VCF-style: chr17-41244641-A-T.
Other names: c.2694T>A, p.Asn898Lys (NM_001407571.1, NM_001407853.1, NM_001407894.1 and 9 more transcripts); c.2907T>A, p.Asn969Lys (NM_001407581.1, NM_001407582.1, NM_001407583.1 and 30 more transcripts); c.2904T>A, p.Asn968Lys (NM_001407587.1, NM_001407590.1, NM_001407591.1 and 22 more transcripts); c.2898T>A, p.Asn966Lys (NM_001407646.1, NM_001407647.1); c.2784T>A, p.Asn928Lys (NM_001407648.1, NM_001407664.1, NM_001407665.1 and 19 more transcripts); c.2781T>A, p.Asn927Lys (NM_001407649.1, NM_001407670.1, NM_001407671.1 and 11 more transcripts); c.2829T>A, p.Asn943Lys (NM_001407653.1, NM_001407654.1, NM_001407655.1 and 4 more transcripts); c.2826T>A, p.Asn942Lys (NM_001407659.1, NM_001407660.1, NM_001407661.1 and 1 more transcripts); and 41 more; short protein forms N922K, N969K, N842K, N899K, N942K, N801K, N841K, N858K.
Identifiers: ClinVar variation 1015821 (VCV001015821.12), dbSNP rs2053674031, ClinGen allele CA10596179.

ClinVar aggregate classification (germline): Conflicting classifications of pathogenicity. Review status: criteria provided, conflicting classifications (1 of 4 stars). 2 submissions from 2 submitters: Uncertain significance (1); Likely benign (1). Last evaluated 2023-03-23.

Conditions:
Hereditary cancer-predisposing syndrome. Also called: Hereditary Cancer Syndrome; Tumor predisposition; Neoplastic Syndromes, Hereditary; Hereditary neoplastic syndrome. Identifiers: Orphanet 140162, MedGen C0027672, MeSH D009386, MONDO:0015356.
Hereditary breast ovarian cancer syndrome. Also called: Hereditary breast and ovarian cancer syndrome (HBOC); Hereditary breast and/or ovarian cancer syndrome; BRCA1- and BRCA2-Associated Hereditary Breast and Ovarian Cancer; Hereditary breast and ovarian cancer syndrome; Hereditary breast and ovarian cancer; Breast and ovarian cancer. Identifiers: Orphanet 145, MedGen C0677776, MeSH D061325, MONDO:0003582. Disease mechanism: loss of function.

Allele frequency attached by ClinVar (database versions not stated): gnomAD exomes below 0.00001.
gnomAD v4.1: 1 of 1,614,028 alleles (0.000062%); highest among the groups gnomAD compares: Non-Finnish European, 0.000085%; no homozygotes.

Submissions (2):

University of Washington Department of Laboratory Medicine, University of Washington
Classification: Likely benign for Hereditary cancer-predisposing syndrome. Last evaluated: 2023-03-23. Review status: criteria provided, single submitter. Criteria: Dines et al. (Genet Med. 2020). Collection method: curation. Allele origin: germline.
Comment: Missense variant in a coldspot region where missense variants are very unlikely to be pathogenic (PMID:31911673).

BRCA1 coldspot (exon 11 using historical exon numbering). Reclassification based on statistical prior probability

Labcorp Genetics (formerly Invitae), Labcorp
Classification: Uncertain significance for Hereditary breast ovarian cancer syndrome. Last evaluated: 2020-07-21. Review status: criteria provided, single submitter. Criteria: Invitae Variant Classification Sherloc (09022015). Collection method: clinical testing. Allele origin: germline.
Comment: Advanced modeling of protein sequence and biophysical properties (such as structural, functional, and spatial information, amino acid conservation, physicochemical variation, residue mobility, and thermodynamic stability) performed at Invitae indicates that this missense variant is not expected to disrupt BRCA1 protein function. In summary, the available evidence is currently insufficient to determine the role of this variant in disease. Therefore, it has been classified as a Variant of Uncertain Significance. This variant has not been reported in the literature in individuals with BRCA1-related conditions. This sequence change replaces asparagine with lysine at codon 969 of the BRCA1 protein (p.Asn969Lys). The asparagine residue is moderately conserved and there is a moderate physicochemical difference between asparagine and lysine. This variant is not present in population databases (ExAC no frequency).